The following is an entry in ClinVar:

NM_000465.4(BARD1):c.1172C>A (p.Ser391Ter)

Gene: BARD1 (BRCA1 associated RING domain 1; minus strand). Cytogenetic location: 2q35.
Variant type: single nucleotide variant.
Coding change: c.1172C>A on transcript NM_000465.4 (MANE Select); coding-DNA position 1172, C replaced by A.
Protein change: p.Ser391Ter; replaces serine 391 with a stop codon.
Molecular consequence: nonsense. On other transcripts: non-coding transcript variant (2), intron variant (3).
Genome position (GRCh38, 1-based): chr2:214,780,702, G>T on the plus strand (C>A on the coding strand, the complement: BARD1 is on the minus strand). VCF-style: chr2-214780702-G-T. GRCh37 (hg19) VCF-style: chr2-215645426-G-T.
Other names: c.1115C>A, p.Ser372Ter (NM_001282543.2); c.159-28147C>A (NM_001282548.2); c.215+16359C>A (NM_001282545.2); c.364+11595C>A (NM_001282549.2); c.1172C>A (NM_000465.2); short protein forms S372*, S391*.
Identifiers: ClinVar variation 925190 (VCV000925190.13), dbSNP rs878853995, ClinGen allele CA350453870.

ClinVar aggregate classification (germline): Pathogenic. Review status: criteria provided, multiple submitters, no conflicts (2 of 4 stars). 4 submissions from 4 submitters: Pathogenic (4). Last evaluated 2024-10-22.

Conditions:
Hereditary cancer-predisposing syndrome. Also called: Neoplastic Syndromes, Hereditary; Tumor predisposition; Hereditary Cancer Syndrome; Hereditary neoplastic syndrome. Identifiers: Orphanet 140162, MedGen C0027672, MeSH D009386, MONDO:0015356.
Familial cancer of breast. Also called: BREAST CANCER, FAMILIAL; Hereditary breast cancer; hereditary breast carcinoma. Identifiers: Orphanet 227535, MedGen C0346153, MONDO:0016419, OMIM 114480. Disease mechanism: loss of function.

Allele frequency attached by ClinVar (database versions not stated): gnomAD 0.00001.
gnomAD v4.1: 1 of 1,613,990 alleles (0.000062%); highest among the groups gnomAD compares: Non-Finnish European, 0.000085%; no homozygotes.

Submissions (4):

Labcorp Genetics (formerly Invitae), Labcorp
Classification: Pathogenic for Familial cancer of breast. Last evaluated: 2024-10-22. Review status: criteria provided, single submitter. Criteria: Invitae Variant Classification Sherloc (09022015). Collection method: clinical testing. Allele origin: germline.
Comment: This sequence change creates a premature translational stop signal (p.Ser391*) in the BARD1 gene. It is expected to result in an absent or disrupted protein product. Loss-of-function variants in BARD1 are known to be pathogenic (PMID: 20077502, 21344236). This variant is present in population databases (no rsID available, gnomAD 0.007%). This premature translational stop signal has been observed in individual(s) with breast cancer (PMID: 36551643). ClinVar contains an entry for this variant (Variation ID: 925190). Algorithms developed to predict the effect of sequence changes on RNA splicing suggest that this variant may disrupt the consensus splice site. For these reasons, this variant has been classified as Pathogenic.

Myriad Genetics, Inc.
Classification: Pathogenic for Familial cancer of breast. Last evaluated: 2023-11-01. Review status: criteria provided, single submitter. Criteria: Myriad Autosomal Dominant, Autosomal Recessive and X-Linked Classification Criteria (2023). Collection method: clinical testing. Allele origin: unknown.
Comment: This variant is considered pathogenic. This variant creates a termination codon and is predicted to result in premature protein truncation.

Ambry Genetics
Classification: Pathogenic for Hereditary cancer-predisposing syndrome. Last evaluated: 2022-06-27. Review status: criteria provided, single submitter. Criteria: Ambry Variant Classification Scheme 2023. Collection method: clinical testing. Allele origin: germline.
Comment: The p.S391* pathogenic mutation (also known as c.1172C>A), located in coding exon 4 of the BARD1 gene, results from a C to A substitution at nucleotide position 1172. This changes the amino acid from a serine to a stop codon within coding exon 4. This alteration is expected to result in loss of function by premature protein truncation or nonsense-mediated mRNA decay. As such, this alteration is interpreted as a disease-causing mutation.

Color Diagnostics, LLC DBA Color Health
Classification: Pathogenic for Hereditary cancer-predisposing syndrome. Last evaluated: 2020-01-15. Review status: criteria provided, single submitter. Criteria: ACMG Guidelines, 2015. Collection method: clinical testing. Allele origin: germline.
Comment: This variant changes 1 nucleotide in exon 4 of the BARD1 gene, creating a premature translation stop signal. This variant is expected to result in an absent or non-functional protein product. This variant has been identified in 1/31390 chromosomes in the general population by the Genome Aggregation Database (gnomAD). Loss of BARD1 function is a known mechanism of disease. Based on the available evidence, this variant is classified as Pathogenic.

Literature cited by the submitters: PubMed 20077502 (cited by Labcorp Genetics (formerly Invitae), Labcorp); PubMed 21344236 (cited by Labcorp Genetics (formerly Invitae), Labcorp); PubMed 36551643 (cited by Labcorp Genetics (formerly Invitae), Labcorp).